The following is an entry in ClinVar:

NM_006030.4(CACNA2D2):c.478G>C (p.Val160Leu)

Gene: CACNA2D2 (calcium voltage-gated channel auxiliary subunit alpha2delta 2; minus strand). Cytogenetic location: 3p21.31.
Variant type: single nucleotide variant.
Coding change: c.478G>C on transcript NM_006030.4 (MANE Select); coding-DNA position 478, G replaced by C.
Protein change: p.Val160Leu; replaces valine 160 with leucine.
Molecular consequence: missense variant.
Genome position (GRCh38, 1-based): chr3:50,387,600, C>G on the plus strand (G>C on the coding strand, the complement: CACNA2D2 is on the minus strand). VCF-style: chr3-50387600-C-G. GRCh37 (hg19) VCF-style: chr3-50425031-C-G.
Other names: c.478G>C, p.Val160Leu (NM_001005505.3, NM_001174051.3); c.271G>C, p.Val91Leu (NM_001291101.1); short protein forms V91L, V160L.
Identifiers: ClinVar variation 1355004 (VCV001355004.7), dbSNP rs779423998, ClinGen allele CA352946454.

ClinVar aggregate classification (germline): Uncertain significance (1 of 4 stars; one submission).

Conditions:
Early-infantile DEE. Also called: Early infantile epileptic encephalopathy with suppression bursts; Ohtahara syndrome; Early infantile epileptic encephalopathy. Identifiers: Orphanet 1934, MedGen C0393706, MONDO:0800491.

Submission:

Labcorp Genetics (formerly Invitae), Labcorp
Classification: Uncertain significance for Early-infantile DEE. Last evaluated: 2021-12-03. Review status: criteria provided, single submitter. Criteria: Invitae Variant Classification Sherloc (09022015). Collection method: clinical testing. Allele origin: germline.
Comment: This sequence change replaces valine, which is neutral and non-polar, with leucine, which is neutral and non-polar, at codon 160 of the CACNA2D2 protein (p.Val160Leu). This variant is not present in population databases (gnomAD no frequency). This variant has not been reported in the literature in individuals affected with CACNA2D2-related conditions. Algorithms developed to predict the effect of missense changes on protein structure and function output the following: SIFT: "Tolerated"; PolyPhen-2: "Benign"; Align-GVGD: "Class C0". The leucine amino acid residue is found in multiple mammalian species, which suggests that this missense change does not adversely affect protein function. In summary, the available evidence is currently insufficient to determine the role of this variant in disease. Therefore, it has been classified as a Variant of Uncertain Significance.